The following is an entry in ClinVar:

ClinVar aggregate classification (germline): Uncertain significance (1 of 4 stars; one submission).

Submission:

Ambry Genetics
Classification: Uncertain significance. Last evaluated: 2025-06-28. Review status: criteria provided, single submitter. Criteria: Ambry Variant Classification Scheme 2023. Collection method: clinical testing. Allele origin: germline.
Comment: The p.P50R variant (also known as c.149C>G), located in coding exon 1 of the GALNT12 gene, results from a C to G substitution at nucleotide position 149. The proline at codon 50 is replaced by arginine, an amino acid with dissimilar properties. This amino acid position is conserved. In addition, this alteration is predicted to be tolerated by in silico analysis. Since supporting evidence is limited at this time, the clinical significance of this alteration remains unclear.

NM_024642.5(GALNT12):c.149C>G (p.Pro50Arg)

Gene: GALNT12 (polypeptide N-acetylgalactosaminyltransferase 12; plus strand). Cytogenetic location: 9q22.33.
Variant type: single nucleotide variant.
Coding change: c.149C>G on transcript NM_024642.5 (MANE Select); coding-DNA position 149, C replaced by G.
Protein change: p.Pro50Arg; replaces proline 50 with arginine.
Molecular consequence: missense variant.
Genome position (GRCh38, 1-based): chr9:98,807,847, C>G. VCF-style: chr9-98807847-C-G. GRCh37 (hg19) VCF-style: chr9-101570129-C-G.
Other names: short protein forms P50R.
Identifiers: ClinVar variation 1773951 (VCV001773951.3), dbSNP rs1431572320, ClinGen allele CA374222410.